The following is an entry in ClinVar:

NM_000094.4(COL7A1):c.6023G>A (p.Arg2008His)

Gene: COL7A1 (collagen type VII alpha 1 chain; minus strand). Cytogenetic location: 3p21.31.
Variant type: single nucleotide variant.
Coding change: c.6023G>A on transcript NM_000094.4 (MANE Select); coding-DNA position 6023, G replaced by A.
Protein change: p.Arg2008His; replaces arginine 2008 with histidine.
Molecular consequence: missense variant.
Genome position (GRCh38, 1-based): chr3:48,575,496, C>T on the plus strand (G>A on the coding strand, the complement: COL7A1 is on the minus strand). VCF-style: chr3-48575496-C-T. GRCh37 (hg19) VCF-style: chr3-48612929-C-T.
Other names: short protein forms R2008H.
Identifiers: ClinVar variation 1324153 (VCV001324153.17), dbSNP rs1002845719, ClinGen allele CA73977055.

ClinVar aggregate classification (germline): Pathogenic/Likely pathogenic. Review status: criteria provided, multiple submitters, no conflicts (2 of 4 stars). 8 submissions from 8 submitters: Pathogenic (1); Likely pathogenic (7). Last evaluated 2025-10-14.

Conditions:
Recessive dystrophic epidermolysis bullosa (RDEB). Also called: Hallopeau-Siemens Disease; severe generalized recessive dystrophic epidermolysis bullosa; Epidermolysis Bullosa Distrophica Autosomal Recessive (RDEB); Recessive DEB (RDEB); EPIDERMOLYSIS BULLOSA DYSTROPHICA, GENERALIZED SEVERE, AUTOSOMAL RECESSIVE; epidermolysis bullosa dystrophica, autosomal recessive. Identifiers: Orphanet 79408, Orphanet 79409, MedGen C0079474, MONDO:0009179, OMIM 226600.
Transient bullous dermolysis of the newborn (TBDN). Also called: DYSTROPHIC EPIDERMOLYSIS BULLOSA, NEONATAL; EPIDERMOLYSIS BULLOSA DYSTROPHICA, NEONATAL FORM. Identifiers: Orphanet 79411, MedGen C1851573, MONDO:0007548, OMIM 131705.
Nonsyndromic congenital nail disorder 8. Also called: TOENAIL DYSTROPHY, ISOLATED. Identifiers: MedGen C1843761, MONDO:0011852, OMIM 607523.
Pretibial dystrophic epidermolysis bullosa. Also called: Pretibial epidermolysis bullosa; EPIDERMOLYSIS BULLOSA DYSTROPHICA, PRETIBIAL; Pretibial blistering. Identifiers: Orphanet 79410, MedGen C0432321, MONDO:0007552, OMIM 131850, HP:0012221.
Dominant dystrophic epidermolysis bullosa with absence of skin. Also called: EPIDERMOLYSIS BULLOSA WITH CONGENITAL LOCALIZED ABSENCE OF SKIN AND DEFORMITY OF NAILS; EPIDERMOLYSIS BULLOSA DYSTROPHICA, BART TYPE. Identifiers: MedGen C0268371, MONDO:0007557, OMIM 132000.
Epidermolysis bullosa pruriginosa. Also called: DEB, PRURIGINOSA; DYSTROPHIC EPIDERMOLYSIS BULLOSA PRURIGINOSA. Identifiers: Orphanet 89843, MedGen C1275114, MONDO:0011398, OMIM 604129.
Generalized dominant dystrophic epidermolysis bullosa (DDEB). Also called: Dominant DEB (DDEB); DDEB, generalized; DDEB-gen; DYSTROPHIC EPIDERMOLYSIS BULLOSA, AUTOSOMAL DOMINANT; Epidermolysis bullosa dystrophica, autosomal dominant. Identifiers: Orphanet 231568, MedGen C0432322, MONDO:0007549, OMIM 131750.
Epidermolysis bullosa dystrophica. Also called: Dystrophic epidermolysis bullosa, Hallopeau-Siemens type (formerly); Dystrophic epidermolysis bullosa. Identifiers: Orphanet 303, MedGen C0079294, MONDO:0006543.

Allele frequency attached by ClinVar (database versions not stated): gnomAD exomes below 0.00001; TOPMed below 0.00001.
gnomAD v4.1: 6 of 1,612,472 alleles (0.00037%); highest among the groups gnomAD compares: East Asian, 0.0022%; no homozygotes.

Submissions (8):

Dasa
Classification: Likely pathogenic. Last evaluated: 2025-10-14. Review status: criteria provided, single submitter. Criteria: DASA Assertion Criteria. Collection method: clinical testing. Allele origin: germline.
Comment: NM_000094.4(COL7A1):c.6023G>A (p.Arg2008His) is a missense variant that results in the substitution of arginine with histidine. The affected residue or protein region has prior evidence supporting clinical relevance. This variant has been observed in affected individuals with related phenotype in a genotype context consistent with recessive disease. Multiple computational predictions support a deleterious effect on the gene or gene product. The variant is present at low frequency in population datasets. Based on the available data, this variant is classified as likely pathogenic.

Natera, Inc.
Classification: Likely pathogenic for Dystrophic epidermolysis bullosa. Last evaluated: 2025-07-07. Review status: criteria provided, single submitter. Criteria: Natera Variant Classification Schema (03/2026). Collection method: clinical testing. Allele origin: germline.
Comment: The c.6023G>A variant in COL7A1 is a missense variant predicted to cause substitution of arginine to histidine at amino acid 2008. This variant is rare in the general population with a frequency below the threshold expected for the associated phenotype(s). This variant has been observed in one or more individuals affected with the associated recessive disease, as either homozygous or compound heterozygous with a second variant (PMID: 17501948, 39039807). A different variant at the same position has been determined to be Pathogenic or Likely Pathogenic. Computational prediction algorithms indicate this variant is likely to affect gene or protein function. Given the available evidence, this variant is classified as Likely Pathogenic.

Fulgent Genetics
Classification: Likely pathogenic for Transient bullous dermolysis of the newborn; Generalized dominant dystrophic epidermolysis bullosa; Pretibial dystrophic epidermolysis bullosa; Dominant dystrophic epidermolysis bullosa with absence of skin; Recessive dystrophic epidermolysis bullosa; Epidermolysis bullosa pruriginosa; Nonsyndromic congenital nail disorder 8. Last evaluated: 2024-04-29. Review status: criteria provided, single submitter. Criteria: ACMG Guidelines, 2015. Collection method: clinical testing. Allele origin: germline.

Labcorp Genetics (formerly Invitae), Labcorp
Classification: Pathogenic. Last evaluated: 2023-12-09. Review status: criteria provided, single submitter. Criteria: Invitae Variant Classification Sherloc (09022015). Collection method: clinical testing. Allele origin: germline.
Comment: This sequence change replaces arginine, which is basic and polar, with histidine, which is basic and polar, at codon 2008 of the COL7A1 protein (p.Arg2008His). This variant is not present in population databases (gnomAD no frequency). This missense change has been observed in individual(s) with autosomal recessive COL7A1-related conditions (PMID: 17501948). In at least one individual the data is consistent with being in trans (on the opposite chromosome) from a pathogenic variant. ClinVar contains an entry for this variant (Variation ID: 1324153). Algorithms developed to predict the effect of missense changes on protein structure and function output the following: SIFT: "Not Available"; PolyPhen-2: "Not Available"; Align-GVGD: "Not Available". The histidine amino acid residue is found in multiple mammalian species, which suggests that this missense change does not adversely affect protein function. This variant disrupts the p.Arg2008 amino acid residue in COL7A1. Other variant(s) that disrupt this residue have been determined to be pathogenic (PMID: 9740253, 10084325, 15888141, 16271705, 20184583). This suggests that this residue is clinically significant, and that variants that disrupt this residue are likely to be disease-causing. For these reasons, this variant has been classified as Pathogenic.

Mendelics
Classification: Likely pathogenic for Transient bullous dermolysis of the newborn. Last evaluated: 2022-05-04. Review status: criteria provided, single submitter. Criteria: Mendelics Assertion Criteria 2019. Collection method: clinical testing. Allele origin: germline.

GeneDx
Classification: Likely pathogenic. Last evaluated: 2022-05-02. Review status: criteria provided, single submitter. Criteria: GeneDx Variant Classification Process June 2021. Collection method: clinical testing. Allele origin: germline. Affected: yes.
Comment: Not observed at significant frequency in large population cohorts (gnomAD); In silico analysis supports that this missense variant does not alter protein structure/function; This variant is associated with the following publications: (PMID: Noor2015[thesis], 17501948, 16774583)

Revvity Omics, Revvity
Classification: Likely pathogenic. Last evaluated: 2020-05-20. Review status: criteria provided, single submitter. Criteria: ACMG Guidelines, 2015. Collection method: clinical testing. Allele origin: germline.

Juno Genomics, Hangzhou Juno Genomics, Inc
Classification: Likely pathogenic for Transient bullous dermolysis of the newborn; Recessive dystrophic epidermolysis bullosa; Generalized dominant dystrophic epidermolysis bullosa; Dominant dystrophic epidermolysis bullosa with absence of skin; Nonsyndromic congenital nail disorder 8; Epidermolysis bullosa pruriginosa; Pretibial dystrophic epidermolysis bullosa. Review status: criteria provided, single submitter. Criteria: ACMG Guidelines, 2015. Collection method: clinical testing. Allele origin: germline.
Comment: Absent from controls (or at extremely low frequency if recessive) in Genome Aggregation Database.;Missense variant in a gene that has a low rate of benign missense variation.;Multiple lines of computational evidence support a deleterious effect on the gene or gene product.;For recessive disorders, detected in trans with a pathogenic variant.;Patient's phenotype or family history is highly specific for a disease with a single genetic etiology.;Novel missense change at an amino acid residue where a different missense change determined to be pathogenic has been seen before.

Literature cited by the submitters: PubMed 17501948 (cited by Natera, Inc. and Labcorp Genetics (formerly Invitae), Labcorp); PubMed 39039807 (cited by Natera, Inc.); PubMed 9740253 (cited by Labcorp Genetics (formerly Invitae), Labcorp); PubMed 10084325 (cited by Labcorp Genetics (formerly Invitae), Labcorp); PubMed 15888141 (cited by Labcorp Genetics (formerly Invitae), Labcorp); PubMed 16271705 (cited by Labcorp Genetics (formerly Invitae), Labcorp); PubMed 20184583 (cited by Labcorp Genetics (formerly Invitae), Labcorp).